The following is an entry in ClinVar:

NM_001077653.2(TBX20):c.776del (p.Thr259fs)

Gene: TBX20 (T-box transcription factor 20; minus strand). Cytogenetic location: 7p14.2.
Variant type: Deletion.
Coding change: c.776del on transcript NM_001077653.2 (MANE Select); coding-DNA position 776, one base deleted (C; older notation c.776delC).
Protein change: p.Thr259fs; shifts the reading frame from threonine 259.
Molecular consequence: frameshift variant.
Genome position (GRCh38, 1-based): chr7:35,240,916, G deleted on the plus strand (C on the coding strand, the reverse complement: TBX20 is on the minus strand). VCF-style (leftmost placement, unchanged base first): chr7-35240915-TG-T. GRCh37 (hg19) VCF-style: chr7-35280527-TG-T.
Other names: c.776del, p.Thr259fs (NM_001166220.1); c.776delC (NM_001077653.2); short protein forms T259fs.
Identifiers: ClinVar variation 2719404 (VCV002719404.4), dbSNP rs2546993178, ClinGen allele CA2697557209.
Genomic context (GRCh38, chr7:35,240,915, plus strand): 5'-CTAAATTGTGAACTGTACACTCACCAGTTGATTCTGGTAGGCAGTGACTGCCGTAAAAAC[TG>T]TTTCTGGAAAGATGAAAGTTCTAAATTCTTCAGACTTCAGGTTGAGCAATGAGGCTGTGT-3'

ClinVar aggregate classification (germline): Pathogenic. Review status: criteria provided, multiple submitters, no conflicts (2 of 4 stars). 2 submissions from 2 submitters: Pathogenic (2). Last evaluated 2025-03-14.

Conditions:
Cardiovascular phenotype. Identifiers: MedGen CN230736.

Submissions (2):

Ambry Genetics
Classification: Pathogenic for Cardiovascular phenotype. Last evaluated: 2025-03-14. Review status: criteria provided, single submitter. Criteria: Ambry Variant Classification Scheme 2023. Collection method: clinical testing. Allele origin: germline.
Comment: The c.776delC pathogenic mutation, located in coding exon 5 of the TBX20 gene, results from a deletion of one nucleotide at nucleotide position 776, causing a translational frameshift with a predicted alternate stop codon (p.T259Kfs*13). This variant is considered to be rare based on population cohorts in the Genome Aggregation Database (gnomAD). This alteration is expected to result in loss of function by premature protein truncation or nonsense-mediated mRNA decay. As such, this alteration is interpreted as a disease-causing mutation.

Labcorp Genetics (formerly Invitae), Labcorp
Classification: Pathogenic. Last evaluated: 2023-06-19. Review status: criteria provided, single submitter. Criteria: Invitae Variant Classification Sherloc (09022015). Collection method: clinical testing. Allele origin: germline.
Comment: This sequence change creates a premature translational stop signal (p.Thr259Lysfs*13) in the TBX20 gene. It is expected to result in an absent or disrupted protein product. Loss-of-function variants in TBX20 are known to be pathogenic (PMID: 15901664, 25625280, 26118961, 27510170). This variant is not present in population databases (gnomAD no frequency). This variant has not been reported in the literature in individuals affected with TBX20-related conditions. For these reasons, this variant has been classified as Pathogenic.

Literature cited by the submitters: PubMed 15901664 (cited by Labcorp Genetics (formerly Invitae), Labcorp); PubMed 25625280 (cited by Labcorp Genetics (formerly Invitae), Labcorp); PubMed 26118961 (cited by Labcorp Genetics (formerly Invitae), Labcorp); PubMed 27510170 (cited by Labcorp Genetics (formerly Invitae), Labcorp).